The following is an entry in ClinVar:

NM_022124.6(CDH23):c.2349C>G (p.Tyr783Ter)

Gene: CDH23 (cadherin related 23; plus strand). Cytogenetic location: 10q22.1.
Variant type: single nucleotide variant.
Coding change: c.2349C>G on transcript NM_022124.6 (MANE Select); coding-DNA position 2349, C replaced by G.
Protein change: p.Tyr783Ter; replaces tyrosine 783 with a stop codon.
Molecular consequence: nonsense.
Genome position (GRCh38, 1-based): chr10:71,695,477, C>G. VCF-style: chr10-71695477-C-G. GRCh37 (hg19) VCF-style: chr10-73455234-C-G.
Other names: c.2349C>G, p.Tyr783Ter (NM_001171930.2, NM_001171931.2); short protein forms Y783*.
Identifiers: ClinVar variation 1068626 (VCV001068626.9), dbSNP rs1589344004, ClinGen allele CA377136502.

ClinVar aggregate classification (germline): Pathogenic/Likely pathogenic. Review status: criteria provided, multiple submitters, no conflicts (2 of 4 stars). 2 submissions from 2 submitters: Pathogenic (1); Likely pathogenic (1). Last evaluated 2024-01-04.

Conditions:
Pituitary adenoma 5, multiple types. Identifiers: MedGen C4539685, MONDO:0054601, OMIM 617540.

Submissions (2):

Baylor Genetics
Classification: Likely pathogenic for Pituitary adenoma 5, multiple types. Last evaluated: 2024-01-04. Review status: criteria provided, single submitter. Criteria: ACMG Guidelines, 2015. Collection method: clinical testing. Allele origin: unknown.

Labcorp Genetics (formerly Invitae), Labcorp
Classification: Pathogenic. Last evaluated: 2022-10-14. Review status: criteria provided, single submitter. Criteria: Invitae Variant Classification Sherloc (09022015). Collection method: clinical testing. Allele origin: germline.
Comment: For these reasons, this variant has been classified as Pathogenic. ClinVar contains an entry for this variant (Variation ID: 1068626). This variant has not been reported in the literature in individuals affected with CDH23-related conditions. This variant is not present in population databases (gnomAD no frequency). This sequence change creates a premature translational stop signal (p.Tyr783*) in the CDH23 gene. It is expected to result in an absent or disrupted protein product. Loss-of-function variants in CDH23 are known to be pathogenic (PMID: 11138009, 21940737).

Literature cited by the submitters: PubMed 11138009 (cited by Labcorp Genetics (formerly Invitae), Labcorp); PubMed 21940737 (cited by Labcorp Genetics (formerly Invitae), Labcorp).